The following is an entry in ClinVar:

ClinVar aggregate classification (germline): Uncertain significance. Review status: criteria provided, multiple submitters, no conflicts (2 of 4 stars). 4 submissions from 4 submitters: Uncertain significance (4). Last evaluated 2025-12-24.

Conditions:
Hereditary cancer-predisposing syndrome. Also called: Hereditary neoplastic syndrome; Neoplastic Syndromes, Hereditary; Tumor predisposition; Hereditary Cancer Syndrome. Identifiers: Orphanet 140162, MedGen C0027672, MeSH D009386, MONDO:0015356.
Familial adenomatous polyposis 1 (FAP1). Also called: POLYPOSIS, ADENOMATOUS INTESTINAL; FAMILIAL ADENOMATOUS POLYPOSIS 1, ATTENUATED. Identifiers: MedGen C2713442, MONDO:0021056, OMIM 175100. Disease mechanism: loss of function.
Classic or attenuated familial adenomatous polyposis. Identifiers: MedGen CN372698, MONDO:0021057.

Allele frequency attached by ClinVar (database versions not stated): gnomAD exomes below 0.00001.

Submissions (4):

Labcorp Genetics (formerly Invitae), Labcorp
Classification: Uncertain significance for Familial adenomatous polyposis 1. Last evaluated: 2025-12-24. Review status: criteria provided, single submitter. Criteria: Invitae Variant Classification Sherloc (09022015). Collection method: clinical testing. Allele origin: germline.
Comment: This sequence change replaces methionine, which is neutral and non-polar, with valine, which is neutral and non-polar, at codon 321 of the APC protein (p.Met321Val). This variant is not present in population databases (gnomAD no frequency). This variant has not been reported in the literature in individuals affected with APC-related conditions. ClinVar contains an entry for this variant (Variation ID: 470158). Invitae Evidence Modeling of protein sequence and biophysical properties (such as structural, functional, and spatial information, amino acid conservation, physicochemical variation, residue mobility, and thermodynamic stability) indicates that this missense variant is not expected to disrupt APC protein function with a negative predictive value of 95%. In summary, the available evidence is currently insufficient to determine the role of this variant in disease. Therefore, it has been classified as a Variant of Uncertain Significance.

Ambry Genetics
Classification: Uncertain significance for Hereditary cancer-predisposing syndrome. Last evaluated: 2024-12-05. Review status: criteria provided, single submitter. Criteria: Ambry Variant Classification Scheme 2023. Collection method: clinical testing. Allele origin: germline.
Comment: The p.M321V variant (also known as c.961A>G), located in coding exon 9 of the APC gene, results from an A to G substitution at nucleotide position 961. The methionine at codon 321 is replaced by valine, an amino acid with highly similar properties. This amino acid position is highly conserved in available vertebrate species. In addition, in silico predictors for this gene do not accurately predict pathogenicity. Missense alterations in APC are not a common cause of disease (Spier I et al. Genet Med. 2024 Feb;26(2):100992). Based on the available evidence, the clinical significance of this variant remains unclear.

All of Us Research Program, National Institutes of Health
Classification: Uncertain significance for Classic or attenuated familial adenomatous polyposis. Last evaluated: 2024-01-03. Review status: criteria provided, single submitter. Criteria: ACMG Guidelines, 2015. Collection method: clinical testing. Allele origin: germline. Inheritance: Autosomal dominant inheritance. Observed: 1 variant allele, 1 heterozygote.
Comment: This study involves interpretation of variants in research participants for the purpose of population health screening. Participant phenotype was not available at the time of variant classification. Additional details can be found in publication PMID: 35346344, PMCID: PMC8962531

Color Diagnostics, LLC DBA Color Health
Classification: Uncertain significance for Hereditary cancer-predisposing syndrome. Last evaluated: 2023-08-01. Review status: criteria provided, single submitter. Criteria: ACMG Guidelines, 2015. Collection method: clinical testing. Allele origin: germline.
Comment: This missense variant replaces methionine with valine at codon 321 of the APC protein. Computational prediction suggests that this variant may have deleterious impact on protein structure and function (internally defined REVEL score threshold >= 0.7, PMID: 27666373). To our knowledge, functional studies have not been reported for this variant. This variant has not been reported in individuals affected with APC-related disorders in the literature. This variant has not been identified in the general population by the Genome Aggregation Database (gnomAD). The available evidence is insufficient to determine the role of this variant in disease conclusively. Therefore, this variant is classified as a Variant of Uncertain Significance.

NM_000038.6(APC):c.961A>G (p.Met321Val)

Gene: APC (APC regulator of Wnt signaling pathway; plus strand). Cytogenetic location: 5q22.2.
Variant type: single nucleotide variant.
Coding change: c.961A>G on transcript NM_000038.6 (MANE Select); coding-DNA position 961, A replaced by G.
Protein change: p.Met321Val; replaces methionine 321 with valine.
Molecular consequence: missense variant. On other transcripts: intron variant (4).
Genome position (GRCh38, 1-based): chr5:112,818,993, A>G. VCF-style: chr5-112818993-A-G. GRCh37 (hg19) VCF-style: chr5-112154690-A-G.
Other names: c.961A>G, p.Met321Val (NM_001127510.3, NM_001354895.2, NM_001354896.2); c.907A>G, p.Met303Val (NM_001127511.3); c.991A>G, p.Met331Val (NM_001354897.2); c.886A>G, p.Met296Val (NM_001354898.2); c.877A>G, p.Met293Val (NM_001354899.2); c.784A>G, p.Met262Val (NM_001354900.2, NM_001354901.2); c.112A>G, p.Met38Val (NM_001354906.2); c.964-276A>G (NM_001354902.2); and 3 more; short protein forms M321V, M303V, M262V, M293V, M331V, M38V, M296V.
Identifiers: ClinVar variation 470158 (VCV000470158.22), dbSNP rs781603478, ClinGen allele CA16023411.
Genomic context (GRCh38, chr5:112,818,993, plus strand): 5'-GTAATTTTGTTTCTAAACTCATTTGGCCCACAGGTGGAAATGGTGTATTCATTGTTGTCA[A>G]TGCTTGGTACTCATGATAAGGATGATATGTCGCGAACTTTGCTAGCTATGTCTAGCTCCC-3'
Protein context (NP_000029.2, residues 311-331): KVEMVYSLLS[Met321Val]LGTHDKDDMS